The following is an entry in ClinVar:

ClinVar aggregate classification (germline): Pathogenic (1 of 4 stars; one submission).

Conditions:
Primary ciliary dyskinesia 3. Identifiers: Orphanet 244, MedGen C1837618, MONDO:0012085, OMIM 608644.

Submission:

Myriad Genetics, Inc.
Classification: Pathogenic for Primary ciliary dyskinesia 3. Last evaluated: 2024-05-14. Review status: criteria provided, single submitter. Criteria: Myriad Autosomal Dominant, Autosomal Recessive and X-Linked Classification Criteria (2023). Collection method: clinical testing. Allele origin: unknown.
Comment: NM_001369.2(DNAH5):c.3063_3064ins5(V1022Sfs*2) is expected to be pathogenic in the context of primary ciliary dyskinesia, DNAH5-related. This variant is predicted to lead to an abnormal or absent protein product due to the creation of a premature termination codon in DNAH5, a gene where loss-of-function variants are known to be pathogenic. Please note: this variant was assessed in the context of healthy population screening.

NM_001369.3(DNAH5):c.3063_3064insTCTTA (p.Val1022delinsSerTer)

Genes: DNAH5 (dynein axonemal heavy chain 5; minus strand), DNAH5-AS1 (DNAH5 antisense RNA 1; plus strand). Cytogenetic location: 5p15.2.
Variant type: Insertion.
Coding change: c.3063_3064insTCTTA on transcript NM_001369.3 (MANE Select); coding-DNA positions 3063 to 3064, TCTTA inserted.
Protein change: p.Val1022delinsSerTer.
Molecular consequence: nonsense.
Genome position: GRCh38 VCF-style: chr5-13883014-C-CTAAGA. GRCh37 (hg19) VCF-style: chr5-13883123-C-CTAAGA.
Identifiers: ClinVar variation 5011158 (VCV005011158.1).